The following is an entry in ClinVar:

ClinVar aggregate classification (germline): Likely benign (1 of 4 stars; one submission).

Conditions:
CREBBP-related disorder. Also called: CREBBP-related condition; CREBBP-related disorders.

Submission:

PreventionGenetics, part of Exact Sciences
Classification: Likely benign for CREBBP-related condition. Last evaluated: 2024-11-14. Review status: criteria provided, single submitter. Criteria: ACMG Guidelines, 2015. Collection method: clinical testing. Allele origin: germline.
Comment: This variant is classified as likely benign based on ACMG/AMP sequence variant interpretation guidelines (Richards et al. 2015 PMID: 25741868, with internal and published modifications).

NM_004380.3(CREBBP):c.3251-5T>C

Gene: CREBBP (CREB binding lysine acetyltransferase; minus strand). Cytogenetic location: 16p13.3.
Variant type: single nucleotide variant.
Coding change: c.3251-5T>C on transcript NM_004380.3 (MANE Select); 5 bases into the intron before coding-DNA position 3251, T replaced by C.
Molecular consequence: intron variant.
Genome position (GRCh38, 1-based): chr16:3,758,977, A>G on the plus strand (T>C on the coding strand, the complement: CREBBP is on the minus strand). VCF-style: chr16-3758977-A-G. GRCh37 (hg19) VCF-style: chr16-3808978-A-G.
Other names: c.3137-5T>C (NM_001079846.1).
Identifiers: ClinVar variation 4999224 (VCV004999224.1).